The following is an entry in ClinVar:

NM_024577.4(SH3TC2):c.477T>A (p.Ser159=)

Gene: SH3TC2 (SH3 domain and tetratricopeptide repeats 2; minus strand). Cytogenetic location: 5q32.
Variant type: single nucleotide variant.
Coding change: c.477T>A on transcript NM_024577.4 (MANE Select); coding-DNA position 477, T replaced by A.
Protein change: p.Ser159=; no amino-acid change (serine 159 retained).
Molecular consequence: synonymous variant.
Genome position (GRCh38, 1-based): chr5:149,042,746, A>T on the plus strand (T>A on the coding strand, the complement: SH3TC2 is on the minus strand). VCF-style: chr5-149042746-A-T. GRCh37 (hg19) VCF-style: chr5-148422309-A-T.
Other names: p.Ser159=.
Identifiers: ClinVar variation 219800 (VCV000219800.28), dbSNP rs77574155, ClinGen allele CA349226.

ClinVar aggregate classification (germline): Benign/Likely benign. Review status: criteria provided, multiple submitters, no conflicts (2 of 4 stars). 10 submissions from 9 submitters: Benign (7); Likely benign (3). Last evaluated 2026-01-31.

Conditions:
Charcot-Marie-Tooth disease. Also called: Charcot-Marie-Tooth Hereditary Neuropathy; Charcot-Marie-Tooth Neuropathy. Identifiers: Orphanet 166, MedGen C0007959, MONDO:0015626.
Charcot-Marie-Tooth disease type 4. Also called: Charcot-Marie-Tooth disease, type IV; Charcot-Marie-Tooth, Type 4. Identifiers: Orphanet 64749, MedGen C4082197, MONDO:0018995.
Charcot-Marie-Tooth disease type 4C (CMT4C). Also called: SH3TC2-Related Hereditary Motor and Sensory Neuropathy; CMT 4C; Charcot-Marie-Tooth Neuropathy Type 4C (CMT4C); CHARCOT-MARIE-TOOTH DISEASE, DEMYELINATING, TYPE 4C; CHARCOT-MARIE-TOOTH DISEASE, DEMYELINATING, AUTOSOMAL RECESSIVE, TYPE 4C. Identifiers: Orphanet 99949, MedGen C1866636, MONDO:0011113, OMIM 601596.
Susceptibility to mononeuropathy of the median nerve, mild. Also called: CARPAL TUNNEL SYNDROME, SUSCEPTIBILITY TO. Identifiers: MedGen C3150596, MONDO:0013237, OMIM 613353.

Allele frequency attached by ClinVar (database versions not stated): gnomAD exomes 0.00101 and 0.00276; ExAC 0.00347; 1000 Genomes Project 0.00759; 1000 Genomes Project 30x 0.00859; gnomAD 0.01050 and 0.01137; TOPMed 0.01276; ESP Exome Variant Server 0.01453.
gnomAD v4.1: 3,131 of 1,614,164 alleles (0.19%); highest among the groups gnomAD compares: African/African-American, 3.8%; 59 homozygotes.

Submissions (10):

Labcorp Genetics (formerly Invitae), Labcorp
Classification: Benign for Charcot-Marie-Tooth disease type 4. Last evaluated: 2026-01-31. Review status: criteria provided, single submitter. Criteria: Invitae Variant Classification Sherloc (09022015). Collection method: clinical testing. Allele origin: germline.

Blueprint Genetics
Classification: Likely benign. Last evaluated: 2024-11-26. Review status: criteria provided, single submitter. Criteria: ACMG Guidelines, 2015. Collection method: clinical testing. Allele origin: germline.

Athena Diagnostics
Classification: Benign. Last evaluated: 2024-06-11. Review status: criteria provided, single submitter. Criteria: Athena Diagnostics Criteria. Collection method: clinical testing. Allele origin: unknown.

ARUP Laboratories, Molecular Genetics and Genomics, ARUP Laboratories
Classification: Likely benign. Last evaluated: 2020-08-10. Review status: criteria provided, single submitter. Criteria: ARUP Molecular Germline Variant Investigation Process. Collection method: clinical testing. Allele origin: germline.

Mayo Clinic Laboratories, Mayo Clinic
Classification: Benign. Last evaluated: 2019-02-28. Review status: criteria provided, single submitter. Criteria: ACMG Guidelines, 2015. Collection method: clinical testing. Allele origin: germline. Observed: 8 variant alleles.

Illumina Laboratory Services, Illumina
Classification: Benign for Susceptibility to mononeuropathy of the median nerve, mild. Last evaluated: 2018-01-13. Review status: criteria provided, single submitter. Criteria: ICSL Variant Classification Criteria 13 December 2019. Collection method: clinical testing. Allele origin: germline.
Comment: This variant was observed in the ICSL laboratory as part of a predisposition screen in an ostensibly healthy population. It had not been previously curated by ICSL or reported in the Human Gene Mutation Database (HGMD: prior to June 1st, 2018), and was therefore a candidate for classification through an automated scoring system. Utilizing variant allele frequency, disease prevalence and penetrance estimates, and inheritance mode, an automated score was calculated to assess if this variant is too frequent to cause the disease. Based on the score and internal cut-off values, a variant classified as benign is not then subjected to further curation. The score for this variant resulted in a classification of benign for this disease.

Illumina Laboratory Services, Illumina
Classification: Benign for Charcot-Marie-Tooth disease type 4C. Last evaluated: 2018-01-13. Review status: criteria provided, single submitter. Criteria: ICSL Variant Classification Criteria 13 December 2019. Collection method: clinical testing. Allele origin: germline.
Comment: the same text as in the submission from Illumina Laboratory Services, Illumina above.

GeneDx
Classification: Benign. Last evaluated: 2016-12-19. Review status: criteria provided, single submitter. Criteria: GeneDx Variant Classification (06012015). Collection method: clinical testing. Allele origin: germline. Affected: yes.
Comment: This variant is considered likely benign or benign based on one or more of the following criteria: it is a conservative change, it occurs at a poorly conserved position in the protein, it is predicted to be benign by multiple in silico algorithms, and/or has population frequency not consistent with disease.

Breakthrough Genomics
Classification: Likely benign. Review status: criteria provided, single submitter. Criteria: ACMG Guidelines, 2015. Collection method: not provided. Allele origin: germline. Inheritance: Autosomal recessive inheritance. Affected: yes.

Molecular Genetics Laboratory, London Health Sciences Centre
Classification: Benign for Charcot-Marie-Tooth disease. Review status: criteria provided, single submitter. Criteria: ACMG Guidelines, 2015. Collection method: clinical testing. Allele origin: germline. Affected: yes.